The following is an entry in ClinVar:

ClinVar aggregate classification (germline): Likely pathogenic. Review status: criteria provided, multiple submitters, no conflicts (2 of 4 stars). 4 submissions from 3 submitters: Likely pathogenic (4). Last evaluated 2025-09-19.

Conditions:
Cardiovascular phenotype. Identifiers: MedGen CN230736.
Dilated cardiomyopathy 1G (CMD1G). Identifiers: Orphanet 154, MedGen C1858763, MONDO:0011400, OMIM 604145.
Autosomal recessive limb-girdle muscular dystrophy type 2J (LGMDR10). Also called: MUSCULAR DYSTROPHY, LIMB-GIRDLE, AUTOSOMAL RECESSIVE 10; Limb-girdle muscular dystrophy, type 2J. Identifiers: Orphanet 140922, MedGen C1837342, MONDO:0012127, OMIM 608807.

Submissions (4):

Labcorp Genetics (formerly Invitae), Labcorp
Classification: Likely pathogenic for Dilated cardiomyopathy 1G; Autosomal recessive limb-girdle muscular dystrophy type 2J. Last evaluated: 2025-09-19. Review status: criteria provided, single submitter. Criteria: Invitae Variant Classification Sherloc (09022015). Collection method: clinical testing. Allele origin: germline.
Comment: This sequence change creates a premature translational stop signal (p.Thr27532Asnfs*10) in the TTN gene. While this is not anticipated to result in nonsense mediated decay, it is expected to create a truncated TTN protein. This variant is not present in population databases (gnomAD no frequency). This variant has not been reported in the literature in individuals affected with TTN-related conditions. ClinVar contains an entry for this variant (Variation ID: 421858). This variant is located in the A band of TTN (PMID: 25589632). Truncating variants in this region are significantly overrepresented in patients affected with dilated cardiomyopathy (PMID: 25589632). Truncating variants in this region have also been reported in individuals affected with autosomal recessive centronuclear myopathy (PMID: 23975875). In summary, the currently available evidence indicates that the variant is pathogenic, but additional data are needed to prove that conclusively. Therefore, this variant has been classified as Likely Pathogenic.

GeneDx
Classification: Likely pathogenic. Last evaluated: 2024-10-03. Review status: criteria provided, single submitter. Criteria: GeneDx Variant Classification Process June 2021. Collection method: clinical testing. Allele origin: germline. Affected: yes.
Comment: Frameshift variant predicted to result in protein truncation or nonsense mediated decay in a gene for which loss of function is a known mechanism of disease; Not observed at significant frequency in large population cohorts (gnomAD); Located in the A-band region of TTN in which the majority of loss of function variants have been associated with autosomal dominant titinopathies (PMID: 22335739); Has not been previously published as pathogenic or benign to our knowledge; This variant is associated with the following publications: (PMID: 23975875, 25589632, 22335739)

Ambry Genetics
Classification: Likely pathogenic for Cardiovascular phenotype. Last evaluated: 2024-09-05. Review status: criteria provided, single submitter. Criteria: Ambry Variant Classification Scheme 2023. Collection method: clinical testing. Allele origin: germline.
Comment: The c.55399dupA variant, located in coding exon 153 of the TTN gene, results from a duplication of A at nucleotide position 55399, causing a translational frameshift with a predicted alternate stop codon (p.T18467Nfs*10). This exon is located in the A-band region of the N2-B isoform of the titin protein and is constitutively expressed in TTN transcripts (percent spliced in or PSI 100%). This variant is considered to be rare based on population cohorts in the Genome Aggregation Database (gnomAD). This alteration is expected to result in loss of function by premature protein truncation or nonsense-mediated mRNA decay. While truncating variants in TTN are present in 1-3% of the general population, truncating variants in the A-band are the most common cause of dilated cardiomyopathy (DCM) (Herman DS et al. N. Engl. J. Med., 2012 Feb;366:619-28; Roberts AM et al. Sci Transl Med, 2015 Jan;7:270ra6). TTN truncating variants encoded in constitutive exons (PSI >90%) have been found to be significantly associated with DCM regardless of their position in titin (Schafer S et al. Nat. Genet., 2017 01;49:46-53). Based on the majority of available evidence to date, this variant is likely to be pathogenic.

Labcorp Genetics (formerly Invitae), Labcorp
Classification: Likely pathogenic for Dilated cardiomyopathy 1G. Last evaluated: 2017-04-23. Review status: criteria provided, single submitter. Criteria: Invitae Variant Classification Sherloc (09022015). Collection method: clinical testing. Allele origin: germline.
Comment: This sequence change inserts 1 nucleotide in exon 326 of the TTN mRNA (c.82594dupA), causing a frameshift at codon 27532. While this is not anticipated to result in nonsense mediated decay, it is expected to create a truncated TTN protein. This variant is found in the A-band of this gene. While this particular variant has not been reported in the literature, truncating variants in the A-band of TTN are significantly overrepresented in patients with dilated cardiomyopathy and are considered to be likely pathogenic for the disease (PMID: 25589632). For these reasons, this variant has been classified as Likely Pathogenic.

Literature cited by the submitters: PubMed 25589632 (cited by Labcorp Genetics (formerly Invitae), Labcorp); PubMed 23975875 (cited by Labcorp Genetics (formerly Invitae), Labcorp).

NM_001267550.2(TTN):c.82594dup (p.Thr27532fs)

Genes: TTN (titin; minus strand), TTN-AS1 (TTN antisense RNA 1; plus strand). Cytogenetic location: 2q31.2.
Variant type: Duplication.
Coding change: c.82594dup on transcript NM_001267550.2 (MANE Select); coding-DNA position 82594, one base duplicated (A; older notation c.82594dupA).
Protein change: p.Thr27532fs; shifts the reading frame from threonine 27532.
Molecular consequence: frameshift variant.
Genome position (GRCh38, 1-based): chr2:178,563,538, T duplicated on the plus strand (A on the coding strand, the reverse complement: TTN is on the minus strand); the first of 2 consecutive T bases (chr2:178,563,538-178,563,539); duplicating either gives the same sequence. VCF-style (leftmost placement, unchanged base first): chr2-178563537-G-GT. GRCh37 (hg19) VCF-style: chr2-179428264-G-GT.
Other names: c.77671dupA (NM_001256850.1); c.77671dup, p.Thr25891fs (NM_001256850.1); c.55399dup, p.Thr18467fs (NM_003319.4); c.74890dup, p.Thr24964fs (NM_133378.4); c.55774dup, p.Thr18592fs (NM_133432.3); c.55975dup, p.Thr18659fs (NM_133437.4); c.55399dupA (NM_003319.4); short protein forms T18467fs, T18592fs, T18659fs, T25891fs, T27532fs, T24964fs.
Identifiers: ClinVar variation 421858 (VCV000421858.13), dbSNP rs1064795407, ClinGen allele CA16617344.